The following is an entry in ClinVar:

NM_000083.3(CLCN1):c.1264G>A (p.Glu422Lys)

Gene: CLCN1 (chloride voltage-gated channel 1; plus strand). Cytogenetic location: 7q34.
Variant type: single nucleotide variant.
Coding change: c.1264G>A on transcript NM_000083.3 (MANE Select); coding-DNA position 1264, G replaced by A.
Protein change: p.Glu422Lys; replaces glutamic acid 422 with lysine.
Molecular consequence: missense variant.
Genome position (GRCh38, 1-based): chr7:143,332,736, G>A. VCF-style: chr7-143332736-G-A. GRCh37 (hg19) VCF-style: chr7-143029829-G-A.
Other names: c.1264G>A (NM_000083.2); short protein forms E422K.
Identifiers: ClinVar variation 1491598 (VCV001491598.11), dbSNP rs889073641, ClinGen allele CA168214308.

ClinVar aggregate classification (germline): Conflicting classifications of pathogenicity. Review status: criteria provided, conflicting classifications (1 of 4 stars). 5 submissions from 5 submitters: Pathogenic (1); Likely pathogenic (2); Uncertain significance (2). Last evaluated 2026-08-06.

Conditions:
CLCN1-related disorder. Also called: CLCN1-related condition.
Congenital myotonia, autosomal dominant form (THD). Also called: THOMSEN DISEASE; Myotonia congenita autosomal dominant. Identifiers: Orphanet 614, MedGen C2936781, MONDO:0008055, OMIM 160800.
Congenital myotonia, autosomal recessive form. Also called: BECKER DISEASE; Becker Generalized Myotonia; myotonia congenita, autosomal recessive. Identifiers: Orphanet 614, MedGen C0751360, MONDO:0009715, OMIM 255700.

Allele frequency attached by ClinVar (database versions not stated): gnomAD 0.00001; TOPMed below 0.00001; gnomAD exomes below 0.00001 and 0.00002.
gnomAD v4.1: 31 of 1,613,990 alleles (0.0019%); highest among the groups gnomAD compares: Middle Eastern, 0.017%; no homozygotes.

Submissions (5):

OLLIN Analises Genomicas, OLLIN
Classification: Likely pathogenic for Congenital myotonia, autosomal dominant form. Last evaluated: 2026-08-06. Review status: criteria provided, single submitter. Criteria: ACMG Guidelines 2015 PMID 25741868. Collection method: clinical testing. Allele origin: germline. Inheritance: Autosomal dominant inheritance.
Comment: This missense variant, located in exon 12 (of 23), has been reported in ClinVar (accession VCV001491598.10) and in gnomAD with an allele frequency of 0.0019%. However, to our knowledge, it has not been reported in the scientific literature. In silico analysis predicts that this variant has a deleterious effect. According to the currently available evidence, this variant has been classified as likely pathogenic (PM2_P, PM3, PP3_M, PP1).

PreventionGenetics, part of Exact Sciences
Classification: Likely pathogenic for CLCN1-related condition. Last evaluated: 2025-06-30. Review status: criteria provided, single submitter. Criteria: ACMG Guidelines, 2015. Collection method: clinical testing. Allele origin: germline.
Comment: The CLCN1 c.1264G>A variant is predicted to result in the amino acid substitution p.Glu422Lys. This variant has been reported with a second CLCN1 variant in individuals with autosomal recessive myotonia congenita (Modoni et al. 2011. PubMed ID: 21221019; Supplemental table 1, Suetterlin et al. 2022. PubMed ID: 34529042). This variant has been shown to impact protein function (Supplementary table 4, Suetterlin et al. 2022. PubMed ID: 34529042). This variant is reported in 0.0015% of alleles in individuals of European (non-Finnish) descent in gnomAD. This variant is interpreted as likely pathogenic for autosomal recessive CLCN1-related disorders.

GeneDx
Classification: Uncertain significance. Last evaluated: 2025-05-21. Review status: criteria provided, single submitter. Criteria: GeneDx Variant Classification Process June 2021. Collection method: clinical testing. Allele origin: germline. Affected: yes.
Comment: Reported as a single heterozygous variant in an individual from a cohort of patients with nondystrophic Thomsen's or Becker's myotonia, however additional clinical information was not provided (PMID: 23113340); Published functional studies suggest the variant has autosomal recessive functional features and wild-type like voltage dependence of activation (PMID: 34529042); Not observed at significant frequency in large population cohorts (gnomAD); In silico analysis supports that this missense variant has a deleterious effect on protein structure/function; This variant is associated with the following publications: (PMID: 25065301, 23113340, 21221019, 34529042)

Labcorp Genetics (formerly Invitae), Labcorp
Classification: Pathogenic for Congenital myotonia, autosomal recessive form; Congenital myotonia, autosomal dominant form. Last evaluated: 2024-10-29. Review status: criteria provided, single submitter. Criteria: Invitae Variant Classification Sherloc (09022015). Collection method: clinical testing. Allele origin: germline.
Comment: This sequence change replaces glutamic acid, which is acidic and polar, with lysine, which is basic and polar, at codon 422 of the CLCN1 protein (p.Glu422Lys). This variant is present in population databases (no rsID available, gnomAD 0.002%). This missense change has been observed in individual(s) with autosomal recessive myotonia congenita (PMID: 21221019; internal data). In at least one individual the data is consistent with being in trans (on the opposite chromosome) from a pathogenic variant. It has also been observed to segregate with disease in related individuals. ClinVar contains an entry for this variant (Variation ID: 1491598). Invitae Evidence Modeling of protein sequence and biophysical properties (such as structural, functional, and spatial information, amino acid conservation, physicochemical variation, residue mobility, and thermodynamic stability) indicates that this missense variant is expected to disrupt CLCN1 protein function with a positive predictive value of 95%. For these reasons, this variant has been classified as Pathogenic.

Revvity Omics, Revvity
Classification: Uncertain significance. Last evaluated: 2021-02-11. Review status: criteria provided, single submitter. Criteria: ACMG Guidelines, 2015. Collection method: clinical testing. Allele origin: germline.

Literature cited by the submitters: PubMed 21221019 (cited by Labcorp Genetics (formerly Invitae), Labcorp).